The following is an entry in ClinVar:

ClinVar aggregate classification (germline): Uncertain significance (1 of 4 stars; one submission).

Conditions:
Pulmonary arterial hypertension. Identifiers: Orphanet 182090, MedGen C2973725, MeSH D000081029, MONDO:0015924, HP:0002092.

Submission:

Dasa
Classification: Uncertain significance for pulmonary arterial hypertension. Last evaluated: 2025-11-13. Review status: criteria provided, single submitter. Criteria: DASA Assertion Criteria. Collection method: clinical testing. Allele origin: germline.
Comment: NM_002253.4(KDR):c.1270G>A (p.Gly424Ser) is a missense variant that results in the substitution of glycine with serine. This variant is absent from population databases. Computational prediction algorithms are consistent with a deleterious effect. The currently available literature and clinical evidence are not sufficient to establish a definitive association between this variant and the reported condition. Therefore, this variant is classified as a variant of uncertain significance.

NM_002253.4(KDR):c.1270G>A (p.Gly424Ser)

Gene: KDR (kinase insert domain receptor; minus strand). Cytogenetic location: 4q12.
Variant type: single nucleotide variant.
Coding change: c.1270G>A on transcript NM_002253.4 (MANE Select); coding-DNA position 1270, G replaced by A.
Protein change: p.Gly424Ser; replaces glycine 424 with serine.
Molecular consequence: missense variant.
Genome position (GRCh38, 1-based): chr4:55,107,879, C>T on the plus strand (G>A on the coding strand, the complement: KDR is on the minus strand). VCF-style: chr4-55107879-C-T. GRCh37 (hg19) VCF-style: chr4-55974046-C-T.
Other names: short protein forms G424S.
Identifiers: ClinVar variation 4880957 (VCV004880957.2).